The following is an entry in ClinVar:

NM_177438.3(DICER1):c.215T>G (p.Phe72Cys)

Gene: DICER1 (dicer 1, ribonuclease III; minus strand). Cytogenetic location: 14q32.13.
Variant type: single nucleotide variant.
Coding change: c.215T>G on transcript NM_177438.3 (MANE Select); coding-DNA position 215, T replaced by G.
Protein change: p.Phe72Cys; replaces phenylalanine 72 with cysteine.
Molecular consequence: missense variant. On other transcripts: 5 prime UTR variant (9), non-coding transcript variant (6).
Genome position (GRCh38, 1-based): chr14:95,132,607, A>C on the plus strand (T>G on the coding strand, the complement: DICER1 is on the minus strand). VCF-style: chr14-95132607-A-C. GRCh37 (hg19) VCF-style: chr14-95598944-A-C.
Other names: c.215T>G, p.Phe72Cys (NM_001195573.1, NM_001271282.3, NM_001291628.2 and 14 more transcripts); c.-60T>G (NM_001395686.1, NM_001395687.1, NM_001395688.1 and 4 more transcripts); c.-244T>G (NM_001395691.1); c.-1354T>G (NM_001395697.1); short protein forms F72C.
Identifiers: ClinVar variation 4011691 (VCV004011691.1).

ClinVar aggregate classification (germline): Uncertain significance (1 of 4 stars; one submission).

Conditions:
Hereditary cancer-predisposing syndrome. Also called: Tumor predisposition; Hereditary neoplastic syndrome; Neoplastic Syndromes, Hereditary; Hereditary Cancer Syndrome. Identifiers: Orphanet 140162, MedGen C0027672, MeSH D009386, MONDO:0015356.

Submission:

Ambry Genetics
Classification: Uncertain significance for Hereditary cancer-predisposing syndrome. Last evaluated: 2025-06-08. Review status: criteria provided, single submitter. Criteria: Ambry Variant Classification Scheme 2023. Collection method: clinical testing. Allele origin: germline.
Comment: The p.F72C variant (also known as c.215T>G), located in coding exon 2 of the DICER1 gene, results from a T to G substitution at nucleotide position 215. The phenylalanine at codon 72 is replaced by cysteine, an amino acid with highly dissimilar properties. This amino acid position is conserved. In addition, this alteration is predicted to be deleterious by in silico analysis. Based on the available evidence, the clinical significance of this variant remains unclear.